The following is an entry in ClinVar:

ClinVar aggregate classification (germline): Benign/Likely benign. Review status: criteria provided, multiple submitters, no conflicts (2 of 4 stars). 3 submissions from 3 submitters: Benign (1); Likely benign (2). Last evaluated 2025-08-06.

Conditions:
FG syndrome (FGS). Identifiers: MedGen C0220769, MONDO:0002010.

Allele frequency attached by ClinVar (database versions not stated): TOPMed 0.00001; gnomAD 0.00004 and 0.00005; gnomAD exomes 0.00004 and 0.00005; ExAC 0.00009; 1000 Genomes Project 30x 0.00021; 1000 Genomes Project 0.00026.
gnomAD v4.1: 48 of 1,204,915 alleles (0.004%); highest among the groups gnomAD compares: Non-Finnish European, 0.0015%; no homozygotes.

Submissions (3):

Labcorp Genetics (formerly Invitae), Labcorp
Classification: Benign for FG syndrome. Last evaluated: 2025-08-06. Review status: criteria provided, single submitter. Criteria: Invitae Variant Classification Sherloc (09022015). Collection method: clinical testing. Allele origin: germline.

Blueprint Genetics
Classification: Likely benign. Last evaluated: 2024-07-18. Review status: criteria provided, single submitter. Criteria: ACMG Guidelines, 2015. Collection method: clinical testing. Allele origin: germline.

GeneDx
Classification: Likely benign. Last evaluated: 2017-03-28. Review status: criteria provided, single submitter. Criteria: GeneDx Variant Classification (06012015). Collection method: clinical testing. Allele origin: germline. Affected: yes.
Comment: This variant is considered likely benign or benign based on one or more of the following criteria: it is a conservative change, it occurs at a poorly conserved position in the protein, it is predicted to be benign by multiple in silico algorithms, and/or has population frequency not consistent with disease.

NM_005120.3(MED12):c.1975-5C>T

Gene: MED12 (mediator complex subunit 12; plus strand). Cytogenetic location: Xq13.1.
Variant type: single nucleotide variant.
Coding change: c.1975-5C>T on transcript NM_005120.3 (MANE Select); 5 bases into the intron before coding-DNA position 1975, C replaced by T.
Molecular consequence: intron variant.
Genome position (GRCh38, 1-based): chrX:71,124,759, C>T. VCF-style: chrX-71124759-C-T. GRCh37 (hg19) VCF-style: chrX-70344609-C-T.
Identifiers: ClinVar variation 508514 (VCV000508514.13), dbSNP rs200891932, ClinGen allele CA10444279.